The following is an entry in ClinVar:

ClinVar aggregate classification (germline): Pathogenic. Review status: criteria provided, single submitter (1 of 4 stars). 3 submissions from 2 submitters: Pathogenic (1). 2 of the submissions do not count toward it. Last evaluated 2023-03-03.

Conditions:
Papillon-Lefèvre syndrome (PALS). Also called: KERATOSIS PALMOPLANTARIS WITH PERIODONTOPATHIA; Papillon-Lefevre Disease. Identifiers: Orphanet 678, MedGen C0030360, MONDO:0009490, OMIM 245000.
Haim-Munk syndrome (HMS). Also called: COCHIN JEWISH DISORDER; KERATOSIS PALMOPLANTARIS WITH PERIODONTOPATHIA AND ONYCHOGRYPOSIS. Identifiers: Orphanet 2342, MedGen C1855627, MONDO:0009491, OMIM 245010.
Periodontitis, aggressive. Identifiers: MedGen C0031106, MONDO:0980757.

Allele frequency attached by ClinVar (database versions not stated): gnomAD exomes below 0.00001 and 0.00001; TOPMed below 0.00001.
gnomAD v4.1: 4 of 1,614,112 alleles (0.00025%); highest among the groups gnomAD compares: South Asian, 0.0011%; no homozygotes.

Submissions (3):

Labcorp Genetics (formerly Invitae), Labcorp
Classification: Pathogenic for Haim-Munk syndrome; Periodontitis, aggressive; Papillon-Lefèvre syndrome. Last evaluated: 2023-03-03. Review status: criteria provided, single submitter. Criteria: Invitae Variant Classification Sherloc (09022015). Collection method: clinical testing. Allele origin: germline.
Comment: This sequence change replaces tyrosine, which is neutral and polar, with cysteine, which is neutral and slightly polar, at codon 347 of the CTSC protein (p.Tyr347Cys). This variant is present in population databases (rs104894211, gnomAD 0.006%). This missense change has been observed in individual(s) with Papillon-Lefevre syndrome and/or periodontitis (PMID: 10581027, 10662808, 28317349). It has also been observed to segregate with disease in related individuals. ClinVar contains an entry for this variant (Variation ID: 7301). Advanced modeling of protein sequence and biophysical properties (such as structural, functional, and spatial information, amino acid conservation, physicochemical variation, residue mobility, and thermodynamic stability) performed at Invitae indicates that this missense variant is expected to disrupt CTSC protein function. For these reasons, this variant has been classified as Pathogenic.

OMIM
Classification: Pathogenic for PERIODONTITIS, AGGRESSIVE, 1. Last evaluated: 2000-02-01. Review status: no assertion criteria provided. Collection method: literature only. Allele origin: germline. Not counted in ClinVar's aggregate classification.

OMIM
Classification: Pathogenic for PAPILLON-LEFEVRE SYNDROME. Last evaluated: 2000-02-01. Review status: no assertion criteria provided. Collection method: literature only. Allele origin: germline. Not counted in ClinVar's aggregate classification.

Literature cited by the submitters: PubMed 10581027 (cited by Labcorp Genetics (formerly Invitae), Labcorp and OMIM); PubMed 10662808 (cited by Labcorp Genetics (formerly Invitae), Labcorp and OMIM); PubMed 28317349 (cited by Labcorp Genetics (formerly Invitae), Labcorp).

NM_001814.6(CTSC):c.1040A>G (p.Tyr347Cys)

Gene: CTSC (cathepsin C; minus strand). Cytogenetic location: 11q14.2.
Variant type: single nucleotide variant.
Coding change: c.1040A>G on transcript NM_001814.6 (MANE Select); coding-DNA position 1040, A replaced by G.
Protein change: p.Tyr347Cys; replaces tyrosine 347 with cysteine.
Molecular consequence: missense variant.
Genome position (GRCh38, 1-based): chr11:88,294,358, T>C on the plus strand (A>G on the coding strand, the complement: CTSC is on the minus strand). VCF-style: chr11-88294358-T-C. GRCh37 (hg19) VCF-style: chr11-88027526-T-C.
Other names: c.1040A>G, p.Tyr347Cys (LRG_50t1); short protein forms Y347C.
Identifiers: ClinVar variation 7301 (VCV000007301.6), dbSNP rs104894211, ClinGen allele CA118701.